The following is an entry in ClinVar:

ClinVar aggregate classification (germline): Pathogenic (1 of 4 stars; one submission).

Conditions:
Polycystic kidney disease, adult type (PKD1). Also called: Polycystic Kidney, Autosomal Dominant; POLYCYSTIC KIDNEY DISEASE, ADULT, TYPE I; Polycystic Kidney Disease 1, Autosomal Dominant; Polycystic kidney disease 1; Polycystic kidney disease 1, severe; POLYCYSTIC KIDNEY DISEASE 1 WITH OR WITHOUT POLYCYSTIC LIVER DISEASE. Identifiers: MedGen C3149841, MONDO:0008263, OMIM 173900.

Submission:

Women's Health and Genetics/Laboratory Corporation of America, LabCorp
Classification: Pathogenic for Polycystic kidney disease, adult type. Last evaluated: 2026-05-05. Review status: criteria provided, single submitter. Criteria: LabCorp Variant Classification Summary - May 2015. Collection method: clinical testing. Allele origin: germline.
Comment: Variant summary: PKD1 c.12039_12042dupCGTC (p.Phe4015ArgfsX143) results in a premature termination codon and is predicted to cause a truncation of the encoded protein, however, nonsense mediated decay is not expected to occur. Variants downstream of the premature stop codon have been classified as pathogenic by our lab, providing evidence that the truncated region is critical to protein function. The variant was absent in 246250 control chromosomes (gnomAD). To our knowledge, no occurrence of c.12039_12042dupCGTC in individuals affected with PKD1-related conditions and no experimental evidence demonstrating its impact on protein function have been reported. No submitters have cited clinical-significance assessments for this variant to ClinVar. Based on the evidence outlined above, the variant was classified as pathogenic.

NM_001009944.3(PKD1):c.12039_12042dup (p.Phe4015fs)

Gene: PKD1 (polycystin 1, transient receptor potential channel interacting; minus strand). Cytogenetic location: 16p13.3.
Variant type: Duplication.
Coding change: c.12039_12042dup on transcript NM_001009944.3 (MANE Select); coding-DNA positions 12039 to 12042, 4 bases duplicated (CGTC; older notation c.12039_12042dupCGTC).
Protein change: p.Phe4015fs; shifts the reading frame from phenylalanine 4015.
Molecular consequence: frameshift variant.
Genome position (GRCh38, 1-based): chr16:2,090,770-2,090,773, GACG duplicated on the plus strand (CGTC on the coding strand, the reverse complement: PKD1 is on the minus strand); duplicating any 4 consecutive bases within chr16:2,090,770-2,090,776 gives the same sequence; the c. name uses the placement nearest the transcript's 3' end. VCF-style (leftmost placement, unchanged base first): chr16-2090769-A-AGACG. GRCh37 (hg19) VCF-style: chr16-2140770-A-AGACG.
Other names: c.12039_12042dupCGTC (NM_001009944.3); c.12036_12039dup, p.Phe4014fs (NM_000296.4); short protein forms F4014fs, F4015fs.
Identifiers: ClinVar variation 4853539 (VCV004853539.1).